The following is an entry in ClinVar:

ClinVar aggregate classification (germline): Uncertain significance (1 of 4 stars; one submission).

Submission:

GeneDx
Classification: Uncertain significance. Last evaluated: 2025-05-27. Review status: criteria provided, single submitter. Criteria: GeneDx Variant Classification Process June 2021. Collection method: clinical testing. Allele origin: germline. Affected: yes.
Comment: Not observed at significant frequency in large population cohorts (gnomAD); In silico analysis supports that this missense variant has a deleterious effect on protein structure/function; Has not been previously published as pathogenic or benign to our knowledge

NM_016148.5(SHANK1):c.6059T>C (p.Leu2020Pro)

Gene: SHANK1 (SH3 and multiple ankyrin repeat domains 1; minus strand). Cytogenetic location: 19q13.33.
Variant type: single nucleotide variant.
Coding change: c.6059T>C on transcript NM_016148.5 (MANE Select); coding-DNA position 6059, T replaced by C.
Protein change: p.Leu2020Pro; replaces leucine 2020 with proline.
Molecular consequence: missense variant.
Genome position (GRCh38, 1-based): chr19:50,662,392, A>G on the plus strand (T>C on the coding strand, the complement: SHANK1 is on the minus strand). VCF-style: chr19-50662392-A-G. GRCh37 (hg19) VCF-style: chr19-51165649-A-G.
Other names: short protein forms L2020P.
Identifiers: ClinVar variation 3371142 (VCV003371142.2).